The following is an entry in ClinVar:

ClinVar aggregate classification (germline): Uncertain significance. Review status: criteria provided, multiple submitters, no conflicts (2 of 4 stars). 2 submissions from 2 submitters: Uncertain significance (2). Last evaluated 2025-12-11.

Conditions:
3-methylglutaconic aciduria with deafness, encephalopathy, and Leigh-like syndrome (MEGDEL). Also called: MEGDEL syndrome; SERAC1 Deficiency; 3-METHYLGLUTACONIC ACIDURIA, TYPE VI. Identifiers: Orphanet 352328, MedGen C4040739, MONDO:0013875, OMIM 614739.

gnomAD v4.1: 16 of 1,566,080 alleles (0.001%); highest among the groups gnomAD compares: East Asian, 0.025%; no homozygotes.

Submissions (2):

Labcorp Genetics (formerly Invitae), Labcorp
Classification: Uncertain significance for 3-methylglutaconic aciduria with deafness, encephalopathy, and Leigh-like syndrome. Last evaluated: 2025-12-11. Review status: criteria provided, single submitter. Criteria: Invitae Variant Classification Sherloc (09022015). Collection method: clinical testing. Allele origin: germline.
Comment: This sequence change replaces histidine, which is basic and polar, with arginine, which is basic and polar, at codon 88 of the SERAC1 protein (p.His88Arg). This variant is present in population databases (rs775467089, gnomAD 0.02%). This variant has not been reported in the literature in individuals affected with SERAC1-related conditions. ClinVar contains an entry for this variant (Variation ID: 3892387). An algorithm developed to predict the effect of missense changes on protein structure and function (PolyPhen-2) suggests that this variant is likely to be tolerated. In summary, the available evidence is currently insufficient to determine the role of this variant in disease. Therefore, it has been classified as a Variant of Uncertain Significance.

Department of Pathology and Laboratory Medicine, Sinai Health System
Classification: Uncertain significance for 3-methylglutaconic aciduria with deafness, encephalopathy, and Leigh-like syndrome. Last evaluated: 2022-05-10. Review status: criteria provided, single submitter. Criteria: ACMG Guidelines, 2015. Collection method: research. Allele origin: germline.

NM_032861.4(SERAC1):c.263A>G (p.His88Arg)

Gene: SERAC1 (serine active site containing 1; minus strand). Cytogenetic location: 6q25.3.
Variant type: single nucleotide variant.
Coding change: c.263A>G on transcript NM_032861.4 (MANE Select); coding-DNA position 263, A replaced by G.
Protein change: p.His88Arg; replaces histidine 88 with arginine.
Molecular consequence: missense variant. On other transcripts: non-coding transcript variant (1).
Genome position (GRCh38, 1-based): chr6:158,150,455, T>C on the plus strand (A>G on the coding strand, the complement: SERAC1 is on the minus strand). VCF-style: chr6-158150455-T-C. GRCh37 (hg19) VCF-style: chr6-158571487-T-C.
Other names: short protein forms H88R.
Identifiers: ClinVar variation 3892387 (VCV003892387.2).
Genomic context (GRCh38, chr6:158,150,455, plus strand): 5'-TTTAAATGCAATAACTAGCTTCCATTTTTCACAGAGGATTACTTTACAATAAACTTACCA[T>C]GATTTTCTCCTTTGTCTAAAGAAACTGTGTGCACATATATATATGACTTCATTTTTTCTC-3'
Protein context (NP_116250.3, residues 78-98): HTVSLDKGEN[His88Arg]GIAWQARKEL